The following is an entry in ClinVar:

ClinVar aggregate classification (germline): Uncertain significance. Review status: criteria provided, multiple submitters, no conflicts (2 of 4 stars). 2 submissions from 2 submitters: Uncertain significance (2). Last evaluated 2025-11-19.

Conditions:
Fanconi anemia (FA). Also called: Fanconi's anemia. Identifiers: Orphanet 84, MedGen C0015625, MeSH D005199, MONDO:0019391.
Inborn genetic diseases. Identifiers: MedGen C0950123, MeSH D030342.

Allele frequency attached by ClinVar (database versions not stated): TOPMed below 0.00001; gnomAD exomes 0.00001.
gnomAD v4.1: 5 of 1,614,202 alleles (0.00031%); highest among the groups gnomAD compares: Non-Finnish European, 0.00042%; no homozygotes.

Submissions (2):

Ambry Genetics
Classification: Uncertain significance for Inborn genetic diseases. Last evaluated: 2025-11-19. Review status: criteria provided, single submitter. Criteria: Ambry Variant Classification Scheme 2023. Collection method: clinical testing. Allele origin: germline.

Labcorp Genetics (formerly Invitae), Labcorp
Classification: Uncertain significance for Fanconi anemia. Last evaluated: 2024-02-24. Review status: criteria provided, single submitter. Criteria: Invitae Variant Classification Sherloc (09022015). Collection method: clinical testing. Allele origin: germline.
Comment: This sequence change replaces glutamic acid, which is acidic and polar, with glutamine, which is neutral and polar, at codon 853 of the SLX4 protein (p.Glu853Gln). This variant is present in population databases (no rsID available, gnomAD 0.003%). This variant has not been reported in the literature in individuals affected with SLX4-related conditions. ClinVar contains an entry for this variant (Variation ID: 849746). An algorithm developed to predict the effect of missense changes on protein structure and function (PolyPhen-2) suggests that this variant is likely to be disruptive. In summary, the available evidence is currently insufficient to determine the role of this variant in disease. Therefore, it has been classified as a Variant of Uncertain Significance.

NM_032444.4(SLX4):c.2557G>C (p.Glu853Gln)

Gene: SLX4 (SLX4 structure-specific endonuclease subunit; minus strand). Cytogenetic location: 16p13.3.
Variant type: single nucleotide variant.
Coding change: c.2557G>C on transcript NM_032444.4 (MANE Select); coding-DNA position 2557, G replaced by C.
Protein change: p.Glu853Gln; replaces glutamic acid 853 with glutamine.
Molecular consequence: missense variant.
Genome position (GRCh38, 1-based): chr16:3,591,081, C>G on the plus strand (G>C on the coding strand, the complement: SLX4 is on the minus strand). VCF-style: chr16-3591081-C-G. GRCh37 (hg19) VCF-style: chr16-3641082-C-G.
Other names: short protein forms E853Q.
Identifiers: ClinVar variation 849746 (VCV000849746.10), dbSNP rs1465800756, ClinGen allele CA394523446.